The following is an entry in ClinVar:

NM_001277115.2(DNAH11):c.8533C>T (p.Arg2845Ter)

Gene: DNAH11 (dynein axonemal heavy chain 11; plus strand). Cytogenetic location: 7p15.3.
Variant type: single nucleotide variant.
Coding change: c.8533C>T on transcript NM_001277115.2 (MANE Select); coding-DNA position 8533, C replaced by T.
Protein change: p.Arg2845Ter; replaces arginine 2845 with a stop codon.
Molecular consequence: nonsense.
Genome position (GRCh38, 1-based): chr7:21,748,602, C>T. VCF-style: chr7-21748602-C-T. GRCh37 (hg19) VCF-style: chr7-21788220-C-T.
Other names: R2852*; NM_001277115.2(DNAH11):c.8533C>T; p.Arg2845Ter; c.8554C>T (NM_003777.3); short protein forms R2845*.
Identifiers: ClinVar variation 6474 (VCV000006474.6), dbSNP rs121908854, ClinGen allele CA340592.
Genomic context (GRCh38, chr7:21,748,602, plus strand): 5'-TTCGATTTTGTGCCATAATGGGCGCTTCCTTTCCTCAGGTGTCGCATCAGCCGGATCTTA[C>T]GAACCCCTCAGGGCTGTGCTCTCTTGGTTGGAGTTGGGGGCAGTGGCAAGCAGAGCTTGT-3'

ClinVar aggregate classification (germline): Pathogenic/Likely pathogenic. Review status: criteria provided, multiple submitters, no conflicts (2 of 4 stars). 4 submissions from 4 submitters: Pathogenic (1); Likely pathogenic (1). 2 of the submissions do not count toward it. Last evaluated 2025-02-19.

Conditions:
DNAH11-related disorders.
CILIARY DYSKINESIA, PRIMARY, 7, WITH SITUS INVERSUS.
Primary ciliary dyskinesia 7. Also called: CILIARY DYSKINESIA, PRIMARY, 7, WITH OR WITHOUT SITUS INVERSUS. Identifiers: Orphanet 244, MedGen C2678473, MONDO:0012748, OMIM 611884.

gnomAD v4.1: 5 of 1,552,164 alleles (0.00032%); highest among the groups gnomAD compares: Admixed American, 0.0038%; no homozygotes.

Submissions (4):

Broad Center for Mendelian Genomics, Broad Institute of MIT and Harvard
Classification: Pathogenic for Primary ciliary dyskinesia 7. Last evaluated: 2025-02-19. Review status: criteria provided, single submitter. Criteria: ACMG Guidelines, 2015. Collection method: curation. Allele origin: germline. Inheritance: Autosomal recessive inheritance.
Comment: The p.Arg2845Ter variant in DNAH11 has been reported, in the homozygous state, in 1 individual with primary ciliary dyskinesia (PMID: 12142464), and has been identified in 0.004% (2/52100) of Admixed American chromosomes by the Genome Aggregation Database (gnomAD; dbSNP rs121908854). Although this variant has been seen in the general population in a heterozygous state, its frequency is low enough to be consistent with a recessive carrier frequency. This variant has also been reported in ClinVar (Variation ID: 6474) and has been interpreted as pathogenic by OMIM. This nonsense variant leads to a premature termination codon at position 2845, which is predicted to lead to a truncated or absent protein. Loss of function of the DNAH11 gene is an established disease mechanism in autosomal recessive primary ciliary dyskinesia. In summary, this variant meets criteria to be classified as pathogenic for autosomal recessive primary ciliary dyskinesia. ACMG/AMP Criteria applied: PVS1, PM2_supporting, PM3_supporting (Richards 2015).

Blueprint Genetics
Classification: Likely pathogenic for DNAH11-related disorders. Last evaluated: 2022-09-02. Review status: criteria provided, single submitter. Criteria: ACMG Guidelines, 2015. Collection method: clinical testing. Allele origin: germline. Affected: yes. Observed: 2 variant alleles.

OMIM
Classification: Pathogenic for CILIARY DYSKINESIA, PRIMARY, 7, WITH SITUS INVERSUS. Last evaluated: 2002-08-06. Review status: no assertion criteria provided. Collection method: literature only. Allele origin: germline. Not counted in ClinVar's aggregate classification.

GeneReviews
No classification provided. Condition: Primary ciliary dyskinesia 7. Review status: no classification provided. Collection method: literature only. Allele origin: unknown. Not counted in ClinVar's aggregate classification.

Literature cited by the submitters: PubMed 12142464 (cited by OMIM and GeneReviews); PubMed 9585585 (cited by OMIM); PubMed 20301301 (cited by GeneReviews); NCBI Bookshelf NBK1122 (cited by GeneReviews).